The following is an entry in ClinVar:

ClinVar aggregate classification (germline): Uncertain significance (0 of 4 stars; one submission).

Conditions:
Perrault syndrome 1 (PRLTS1). Also called: GONADAL DYSGENESIS, XX TYPE, WITH DEAFNESS; OVARIAN DYSGENESIS WITH SENSORINEURAL DEAFNESS. Identifiers: Orphanet 2855, Orphanet 642945, MedGen C4551721, MONDO:0009300, OMIM 233400.

gnomAD v4.1: 607 of 1,613,058 alleles (0.038%); highest among the groups gnomAD compares: Non-Finnish European, 0.049%; no homozygotes.

Submission:

Newman Lab, University of Manchester
Classification: Uncertain significance for Perrault syndrome 1. Last evaluated: 2025-04-10. Review status: no assertion criteria provided. Collection method: research. Allele origin: biparental. Affected: yes. Observed: 3 variant alleles.
Comment: Observed at allele frequency in gnomAD v 4.0 (3.76x10-4) consistent with autosomal recessive inheritance; residue conserved to C. elegans; CADD score 23.8; identified in two independent families

NM_018066.4(GPN2):c.664A>G (p.Asn222Asp)

Gene: GPN2 (GPN-loop GTPase 2; minus strand). Cytogenetic location: 1p36.11.
Variant type: single nucleotide variant.
Coding change: c.664A>G on transcript NM_018066.4 (MANE Select); coding-DNA position 664, A replaced by G.
Protein change: p.Asn222Asp; replaces asparagine 222 with aspartic acid.
Molecular consequence: missense variant.
Genome position (GRCh38, 1-based): chr1:26,886,038, T>C on the plus strand (A>G on the coding strand, the complement: GPN2 is on the minus strand). VCF-style: chr1-26886038-T-C. GRCh37 (hg19) VCF-style: chr1-27212529-T-C.
Other names: short protein forms N222D.
Identifiers: ClinVar variation 3891300 (VCV003891300.1).
Genomic context (GRCh38, chr1:26,886,038, plus strand): 5'-TGTTGAGAGGGATAAAGGAGACAAGGCTATAGTCTTCGATGAGCTGCACTAGCTTCTCAT[T>C]GAGCTGGCGGTAGTGGCGGAAGAAAGGGTCAGAAGCCAGGTGGTCAAGCAGGTAGGAGAG-3'
Protein context (NP_060536.3, residues 212-232): DPFFRHYRQL[Asn222Asp]EKLVQLIEDY